The following is an entry in ClinVar:

ClinVar aggregate classification (germline): Uncertain significance. Review status: criteria provided, single submitter (1 of 4 stars). 3 submissions from 3 submitters: Uncertain significance (1). 2 of the submissions do not count toward it. Last evaluated 2024-02-17.

Allele frequency attached by ClinVar (database versions not stated): gnomAD exomes below 0.00001; gnomAD 0.00001; TOPMed 0.00002.
gnomAD v4.1: 10 of 1,607,640 alleles (0.00062%); highest among the groups gnomAD compares: Non-Finnish European, 0.00085%; no homozygotes.

Submissions (3):

Labcorp Genetics (formerly Invitae), Labcorp
Classification: Uncertain significance. Last evaluated: 2024-02-17. Review status: criteria provided, single submitter. Criteria: Invitae Variant Classification Sherloc (09022015). Collection method: clinical testing. Allele origin: germline.
Comment: This sequence change falls in intron 15 of the RNF31 gene. It does not directly change the encoded amino acid sequence of the RNF31 protein. It affects a nucleotide within the consensus splice site. This variant is present in population databases (no rsID available, gnomAD 0.0009%). This variant has not been reported in the literature in individuals affected with RNF31-related conditions. ClinVar contains an entry for this variant (Variation ID: 1328217). Variants that disrupt the consensus splice site are a relatively common cause of aberrant splicing (PMID: 17576681, 9536098). Algorithms developed to predict the effect of sequence changes on RNA splicing suggest that this variant is not likely to affect RNA splicing. In summary, the available evidence is currently insufficient to determine the role of this variant in disease. Therefore, it has been classified as a Variant of Uncertain Significance.

Clinical Genetics DNA and cytogenetics Diagnostics Lab, Erasmus MC, Erasmus Medical Center
Classification: Uncertain significance. Review status: no assertion criteria provided. Collection method: clinical testing. Allele origin: germline. Affected: yes. Study: VKGL Data-share Consensus. Not counted in ClinVar's aggregate classification.

Diagnostic Laboratory, Department of Genetics, University Medical Center Groningen
Classification: Uncertain significance. Review status: no assertion criteria provided. Collection method: clinical testing. Allele origin: germline. Affected: yes. Study: VKGL Data-share Consensus. Not counted in ClinVar's aggregate classification.

Literature cited by the submitters: PubMed 17576681 (cited by Labcorp Genetics (formerly Invitae), Labcorp); PubMed 9536098 (cited by Labcorp Genetics (formerly Invitae), Labcorp).

NM_017999.5(RNF31):c.2608+5G>A

Gene: RNF31 (ring finger protein 31; plus strand). Cytogenetic location: 14q12.
Variant type: single nucleotide variant.
Coding change: c.2608+5G>A on transcript NM_017999.5 (MANE Select); 5 bases into the intron after coding-DNA position 2608, G replaced by A.
Molecular consequence: intron variant.
Genome position (GRCh38, 1-based): chr14:24,157,409, G>A. VCF-style: chr14-24157409-G-A. GRCh37 (hg19) VCF-style: chr14-24626618-G-A.
Other names: c.2155+5G>A (NM_001310332.2).
Identifiers: ClinVar variation 1328217 (VCV001328217.7), dbSNP rs1348970683, ClinGen allele CA613320198.